The following is an entry in ClinVar:

ClinVar aggregate classification (germline): Uncertain significance (1 of 4 stars; one submission).

gnomAD v4.1: 1 of 1,595,658 alleles (0.000063%); highest among the groups gnomAD compares: South Asian, 0.0011%; no homozygotes.

Submission:

Labcorp Genetics (formerly Invitae), Labcorp
Classification: Uncertain significance. Last evaluated: 2022-07-18. Review status: criteria provided, single submitter. Criteria: Invitae Variant Classification Sherloc (09022015). Collection method: clinical testing. Allele origin: germline.
Comment: In summary, the available evidence is currently insufficient to determine the role of this variant in disease. Therefore, it has been classified as a Variant of Uncertain Significance. Algorithms developed to predict the effect of sequence changes on RNA splicing suggest that this variant may disrupt the consensus splice site. This variant has not been reported in the literature in individuals affected with MSH3-related conditions. This variant is not present in population databases (gnomAD no frequency). This sequence change falls in intron 14 of the MSH3 gene. It does not directly change the encoded amino acid sequence of the MSH3 protein.

NM_002439.5(MSH3):c.2085-10G>T

Gene: MSH3 (mutS homolog 3; plus strand). Cytogenetic location: 5q14.1.
Variant type: single nucleotide variant.
Coding change: c.2085-10G>T on transcript NM_002439.5 (MANE Select); 10 bases into the intron before coding-DNA position 2085, G replaced by T.
Molecular consequence: intron variant.
Genome position (GRCh38, 1-based): chr5:80,768,825, G>T. VCF-style: chr5-80768825-G-T. GRCh37 (hg19) VCF-style: chr5-80064644-G-T.
Identifiers: ClinVar variation 2018020 (VCV002018020.4), dbSNP rs2112885070, ClinGen allele CA645558657.